The following is an entry in ClinVar:

NM_001958.5(EEF1A2):c.324+88A>G

Gene: EEF1A2 (eukaryotic translation elongation factor 1 alpha 2; minus strand). Cytogenetic location: 20q13.33.
Variant type: single nucleotide variant.
Coding change: c.324+88A>G on transcript NM_001958.5 (MANE Select); 88 bases into the intron after coding-DNA position 324, A replaced by G.
Molecular consequence: intron variant.
Genome position (GRCh38, 1-based): chr20:63,495,768, T>C on the plus strand (A>G on the coding strand, the complement: EEF1A2 is on the minus strand). VCF-style: chr20-63495768-T-C. GRCh37 (hg19) VCF-style: chr20-62127121-T-C.
Identifiers: ClinVar variation 680011 (VCV000680011.2), dbSNP rs310618, ClinGen allele CA14765957.

ClinVar aggregate classification (germline): Benign. Review status: criteria provided, multiple submitters, no conflicts (2 of 4 stars). 2 submissions from 2 submitters: Benign (2). Last evaluated 2018-06-14.

Allele frequency attached by ClinVar (database versions not stated): gnomAD exomes 0.35323; gnomAD 0.46259 and 0.46471; TOPMed 0.48290; 1000 Genomes Project 0.50919; 1000 Genomes Project 30x 0.52061.
gnomAD v4.1: 551,799 of 1,511,994 alleles (36%); highest among the groups gnomAD compares: African/African-American, 72%; 109,392 homozygotes.

Submissions (2):

GeneDx
Classification: Benign. Last evaluated: 2018-06-14. Review status: criteria provided, single submitter. Criteria: GeneDx Variant Classification (06012015). Collection method: clinical testing. Allele origin: germline. Affected: yes.
Comment: This variant is considered likely benign or benign based on one or more of the following criteria: it is a conservative change, it occurs at a poorly conserved position in the protein, it is predicted to be benign by multiple in silico algorithms, and/or has population frequency not consistent with disease.

Breakthrough Genomics
Classification: Benign. Review status: criteria provided, single submitter. Criteria: ACMG Guidelines, 2015. Collection method: not provided. Allele origin: germline. Inheritance: Autosomal dominant inheritance. Affected: yes.